The following is an entry in ClinVar:

ClinVar aggregate classification (germline): Pathogenic (1 of 4 stars; one submission).

Conditions:
Long QT syndrome (LQTS). Identifiers: MedGen C0023976, MeSH D008133, MONDO:0002442. Disease mechanism: loss of function. Inheritance: Various modes of inheritance.

Submission:

Labcorp Genetics (formerly Invitae), Labcorp
Classification: Pathogenic for Long QT syndrome. Last evaluated: 2020-12-30. Review status: criteria provided, single submitter. Criteria: Invitae Variant Classification Sherloc (09022015). Collection method: clinical testing. Allele origin: germline.
Comment: For these reasons, this variant has been classified as Pathogenic. This variant disrupts the C-terminus of the KCNH2 protein. Other variant(s) that disrupt this region (p.Ala1124Glyfs*146) have been determined to be pathogenic (PMID: 15572050, Invitae). This suggests that variants that disrupt this region of the protein are likely to be causative of disease. This variant has not been reported in the literature in individuals with KCNH2-related conditions. This variant is a gross deletion of the genomic region encompassing exon(s) 11-15 of the KCNH2 gene. The 5' boundary is likely confined to intron 10. The 3' end of this event is unknown as it extends through the termination codon beyond the assayed region for this gene and may encompass additional genes. While this deletion is not anticipated to lead to nonsense mediated decay, it is expected to alter mRNA translation or result in a truncated protein product.

Literature cited by the submitters: PubMed 15572050.

NC_000007.13:g.(?_150642443)_(150645641_?)del

Gene: KCNH2 (potassium voltage-gated channel subfamily H member 2; minus strand). Cytogenetic location: 7q36.1.
Variant type: Deletion.
Identifiers: ClinVar variation 1454695 (VCV001454695.6).